The following is an entry in ClinVar:

ClinVar aggregate classification (germline): Likely pathogenic. Review status: criteria provided, multiple submitters, no conflicts (2 of 4 stars). 2 submissions from 2 submitters: Likely pathogenic (2). Last evaluated 2026-06-04.

Conditions:
Cohen syndrome (COH1). Also called: PEPPER SYNDROME; Cutis verticis gyrata, retinitis pigmentosa, and sensorineural deafness. Identifiers: Orphanet 193, MedGen C0265223, MONDO:0008999, OMIM 216550.

Submissions (2):

Myriad Genetics, Inc.
Classification: Likely pathogenic for Cohen syndrome. Last evaluated: 2026-06-04. Review status: criteria provided, single submitter. Criteria: Myriad Autosomal Dominant, Autosomal Recessive and X-Linked Classification Criteria (2023). Collection method: clinical testing. Allele origin: unknown.
Comment: NM_017890.4(VPS13B):c.7854+1G>C is a variant in a canonical splice site classified as likely pathogenic in the context of Cohen syndrome. c.7854+1G>C has not been observed in cases with relevant disease. Relevant functional assessments of this variant are not available in the literature. c.7854+1G>C has not been observed in referenced population frequency databases. In summary, NM_017890.4(VPS13B):c.7854+1G>C is a variant in a canonical splice site in a gene where loss of function is a known mechanism of disease, is predicted to disrupt protein function, and has been observed more frequently in cases with the relevant disease than in healthy populations. Please note: this variant was assessed in the context of healthy population screening.

Labcorp Genetics (formerly Invitae), Labcorp
Classification: Likely pathogenic for Cohen syndrome. Last evaluated: 2023-04-26. Review status: criteria provided, single submitter. Criteria: Invitae Variant Classification Sherloc (09022015). Collection method: clinical testing. Allele origin: germline.
Comment: This sequence change affects a donor splice site in intron 42 of the VPS13B gene. It is expected to disrupt RNA splicing. Variants that disrupt the donor or acceptor splice site typically lead to a loss of protein function (PMID: 16199547), and loss-of-function variants in VPS13B are known to be pathogenic (PMID: 15141358, 16648375, 20461111). This variant is not present in population databases (gnomAD no frequency). This variant has not been reported in the literature in individuals affected with VPS13B-related conditions. Algorithms developed to predict the effect of sequence changes on RNA splicing suggest that this variant may disrupt the consensus splice site. In summary, the currently available evidence indicates that the variant is pathogenic, but additional data are needed to prove that conclusively. Therefore, this variant has been classified as Likely Pathogenic.

Literature cited by the submitters: PubMed 16199547 (cited by Labcorp Genetics (formerly Invitae), Labcorp); PubMed 15141358 (cited by Labcorp Genetics (formerly Invitae), Labcorp); PubMed 16648375 (cited by Labcorp Genetics (formerly Invitae), Labcorp); PubMed 20461111 (cited by Labcorp Genetics (formerly Invitae), Labcorp).

NM_152564.5(VPS13B):c.7779+1G>C

Gene: VPS13B (vacuolar protein sorting 13 homolog B; plus strand). Cytogenetic location: 8q22.2.
Variant type: single nucleotide variant.
Coding change: c.7779+1G>C on transcript NM_152564.5 (MANE Select); the canonical splice donor site of the intron after coding-DNA position 7779, G replaced by C.
Molecular consequence: splice donor variant.
Genome position (GRCh38, 1-based): chr8:99,779,032, G>C. VCF-style: chr8-99779032-G-C. GRCh37 (hg19) VCF-style: chr8-100791260-G-C.
Other names: c.7854+1G>C (NM_017890.5).
Identifiers: ClinVar variation 2859539 (VCV002859539.4), dbSNP rs2491844131, ClinGen allele CA371876697.